The following is an entry in ClinVar:

ClinVar aggregate classification (germline): Benign. Review status: criteria provided, multiple submitters, no conflicts (2 of 4 stars). 4 submissions from 4 submitters: Benign (4). Last evaluated 2026-02-01.

Allele frequency attached by ClinVar (database versions not stated): 1000 Genomes Project 30x 0.00453; 1000 Genomes Project 0.00459; gnomAD 0.00682 and 0.00688; TOPMed 0.00733; ExAC 0.00757; gnomAD exomes 0.00767; ESP Exome Variant Server 0.00940.

Submissions (4):

Labcorp Genetics (formerly Invitae), Labcorp
Classification: Benign. Last evaluated: 2026-02-01. Review status: criteria provided, single submitter. Criteria: Invitae Variant Classification Sherloc (09022015). Collection method: clinical testing. Allele origin: germline.

CeGaT Center for Human Genetics Tuebingen
Classification: Benign. Last evaluated: 2025-04-01. Review status: criteria provided, single submitter. Criteria: CeGaT Center For Human Genetics Tuebingen Variant Classification Criteria Version 2. Collection method: clinical testing. Allele origin: germline. Affected: yes. Observed: 4 variant alleles.
Comment: POC5: BP4, BS1, BS2

Mendelics
Classification: Benign. Last evaluated: 2022-05-04. Review status: criteria provided, single submitter. Criteria: Mendelics Assertion Criteria 2019. Collection method: clinical testing. Allele origin: germline.

Breakthrough Genomics
Classification: Benign. Review status: criteria provided, single submitter. Criteria: ACMG Guidelines, 2015. Collection method: not provided. Allele origin: germline. Inheritance: Unknown mechanism. Affected: yes.

NM_001099271.2(POC5):c.1286C>T (p.Ala429Val)

Gene: POC5 (POC5 centriolar protein; minus strand). Cytogenetic location: 5q13.3.
Variant type: single nucleotide variant.
Coding change: c.1286C>T on transcript NM_001099271.2 (MANE Select); coding-DNA position 1286, C replaced by T.
Protein change: p.Ala429Val; replaces alanine 429 with valine.
Molecular consequence: missense variant.
Genome position (GRCh38, 1-based): chr5:75,685,328, G>A on the plus strand (C>T on the coding strand, the complement: POC5 is on the minus strand). VCF-style: chr5-75685328-G-A. GRCh37 (hg19) VCF-style: chr5-74981153-G-A.
Other names: c.1211C>T, p.Ala404Val (NM_152408.3); short protein forms A404V, A429V.
Identifiers: ClinVar variation 1167438 (VCV001167438.35), dbSNP rs146984380, ClinGen allele CA3310354.
Genomic context (GRCh38, chr5:75,685,328, plus strand): 5'-ACAGAAGATGCGGAAGCAGCCCTGGTAGAAGTCATCGAAGCAGCTGAGGGAACGGCAGTC[G>A]CGCTGGCTCCTCCGACGGCGGCTGGTGGGGATGGCAGCAGTGGTGATGTAACTGGTAAGG-3'
Protein context (NP_001092741.1, residues 419-439): SPPAAVGGAS[Ala429Val]TAVPSAASMT